The following is an entry in ClinVar:

NM_001100.4(ACTA1):c.455-20TC[2]

Gene: ACTA1 (actin alpha 1, skeletal muscle; minus strand). Cytogenetic location: 1q42.13.
Variant type: Microsatellite.
Coding change: c.455-20TC[2] on transcript NM_001100.4 (MANE Select); two copies in a row of the 2-base unit TC starting at c.455-20; the reference has three copies in a row; one copy, 2 bases deleted.
Molecular consequence: intron variant.
Genome position (GRCh38, 1-based): chr1:229,432,446-229,432,447, GA deleted on the plus strand (TC on the coding strand, the reverse complement: ACTA1 is on the minus strand); deleting any 2 consecutive bases within chr1:229,432,446-229,432,452 gives the same sequence; the position shown is the placement nearest the transcript's 3' end. VCF-style (leftmost placement, unchanged base first): chr1-229432445-GGA-G. GRCh37 (hg19) VCF-style: chr1-229568192-GGA-G.
Identifiers: ClinVar variation 2742197 (VCV002742197.3), dbSNP rs1185680297, ClinGen allele CA732580982.

ClinVar aggregate classification (germline): Uncertain significance (1 of 4 stars; one submission).

Conditions:
Actin accumulation myopathy (CMYO2A). Also called: CONGENITAL MYOPATHY 2A, TYPICAL, AUTOSOMAL DOMINANT; Nemaline myopathy type 3; Myopathy, actin, congenital, with excess of thin myofilaments; Myopathy, actin, congenital, with cores; Nemaline myopathy 3, with intranuclear rods. Identifiers: Orphanet 98904, MedGen C3711389, MONDO:0008070, OMIM 161800.

Submission:

Labcorp Genetics (formerly Invitae), Labcorp
Classification: Uncertain significance for Actin accumulation myopathy. Last evaluated: 2022-12-10. Review status: criteria provided, single submitter. Criteria: Invitae Variant Classification Sherloc (09022015). Collection method: clinical testing. Allele origin: germline.
Comment: In summary, the available evidence is currently insufficient to determine the role of this variant in disease. Therefore, it has been classified as a Variant of Uncertain Significance. This sequence change falls in intron 3 of the ACTA1 gene. It does not directly change the encoded amino acid sequence of the ACTA1 protein. This variant is not present in population databases (gnomAD no frequency). This variant has not been reported in the literature in individuals affected with ACTA1-related conditions. Algorithms developed to predict the effect of sequence changes on RNA splicing suggest that this variant may create or strengthen a splice site.